The following is an entry in ClinVar:

ClinVar aggregate classification (germline): Uncertain significance (1 of 4 stars; one submission).

Conditions:
Neurodevelopmental disorder. Identifiers: MedGen C1535926, MeSH D065886, MONDO:0700092.

Submission:

Broad Center for Mendelian Genomics, Broad Institute of MIT and Harvard
Classification: Uncertain significance for Neurodevelopmental disorder. Last evaluated: 2026-03-02. Review status: criteria provided, single submitter. Criteria: ACMG Guidelines, 2015. Collection method: research. Allele origin: germline. Inheritance: Autosomal dominant inheritance.
Comment: The p.Asp2232Asn variant in CHD9 has not been previously reported in the literature in individuals with neurodevelopmental disorders, and was absent from large population studies. Computational prediction tools and conservation analyses do not provide strong support for or against an impact to the protein. The number of missense variants reported in CHD9 in the general population is lower than expected, suggesting there is little benign variation in this gene and slightly increasing the possibility that a missense variant in this gene may not be tolerated. While variants in the CHD9 gene have been reported in individuals with neurodevelopmental disorders, this association has not been definitively established. In summary, given the limited information about this gene-disease relationship, the significance of the p.Asp2232Asn variant is uncertain.

NM_001308319.2(CHD9):c.6694G>A (p.Asp2232Asn)

Gene: CHD9 (chromodomain helicase DNA binding protein 9; plus strand). Cytogenetic location: 16q12.2.
Variant type: single nucleotide variant.
Coding change: c.6694G>A on transcript NM_001308319.2 (MANE Select); coding-DNA position 6694, G replaced by A.
Protein change: p.Asp2232Asn; replaces aspartic acid 2232 with asparagine.
Molecular consequence: missense variant.
Genome position (GRCh38, 1-based): chr16:53,306,311, G>A. VCF-style: chr16-53306311-G-A. GRCh37 (hg19) VCF-style: chr16-53340223-G-A.
Other names: NM_025134.7:c.6694G>A; c.6694G>A, p.Asp2232Asn (NM_001352127.3, NM_001382353.1, NM_025134.7); c.5275G>A, p.Asp1759Asn (NM_001352156.3, NM_001352157.3); c.5176G>A, p.Asp1726Asn (NM_001352158.3, NM_001382354.1); c.5173G>A, p.Asp1725Asn (NM_001382355.1); short protein forms D1725N, D1726N, D1759N, D2232N.
Identifiers: ClinVar variation 4819472 (VCV004819472.1).
Genomic context (GRCh38, chr16:53,306,311, plus strand): 5'-ATGAAAGCCTATGATGAAGAAAGCGTCGCGTCACTGAGCACTACCCAGGATGAGACTCAG[G>A]ATAGTTTTCAGATGAACAATGGGACACCAGAGTCTGCTTATATCTTACAAGGTGGATATA-3'
Protein context (NP_001295248.1, residues 2222-2242): SLSTTQDETQ[Asp2232Asn]SFQMNNGTPE